The following is an entry in ClinVar:

NM_000493.4(COL10A1):c.158T>G (p.Ile53Arg)

Genes: COL10A1 (collagen type X alpha 1 chain; minus strand), NT5DC1 (5'-nucleotidase domain containing 1; plus strand). Cytogenetic location: 6q22.1.
Variant type: single nucleotide variant.
Coding change: c.158T>G on transcript NM_000493.4 (MANE Select); coding-DNA position 158, T replaced by G.
Protein change: p.Ile53Arg; replaces isoleucine 53 with arginine.
Molecular consequence: missense variant. On other transcripts: intron variant (1).
Genome position (GRCh38, 1-based): chr6:116,121,958, A>C on the plus strand (T>G on the coding strand, the complement: COL10A1 is on the minus strand). VCF-style: chr6-116121958-A-C. GRCh37 (hg19) VCF-style: chr6-116443121-A-C.
Other names: c.158T>G, p.Ile53Arg (NM_001424106.1, NM_001424107.1); c.529+4013A>C (NM_152729.3); short protein forms I53R.
Identifiers: ClinVar variation 843130 (VCV000843130.19), dbSNP rs200692352, ClinGen allele CA3968467.

ClinVar aggregate classification (germline): Conflicting classifications of pathogenicity. Review status: criteria provided, conflicting classifications (1 of 4 stars). 3 submissions from 3 submitters: Uncertain significance (1); Benign (2). Last evaluated 2025-11-10.

Conditions:
Metaphyseal chondrodysplasia, Schmid type (MCDS). Also called: SPONDYLOMETAPHYSEAL DYSPLASIA, JAPANESE TYPE. Identifiers: Orphanet 174, MedGen C0265289, MONDO:0007983, OMIM 156500.
Inborn genetic diseases. Identifiers: MedGen C0950123, MeSH D030342.

Allele frequency attached by ClinVar (database versions not stated): gnomAD 0.00007; TOPMed 0.00011.
gnomAD v4.1: 138 of 1,611,664 alleles (0.0086%); highest among the groups gnomAD compares: Admixed American, 0.03%; no homozygotes.

Submissions (3):

Labcorp Genetics (formerly Invitae), Labcorp
Classification: Benign. Last evaluated: 2025-11-10. Review status: criteria provided, single submitter. Criteria: Invitae Variant Classification Sherloc (09022015). Collection method: clinical testing. Allele origin: germline.

Ambry Genetics
Classification: Uncertain significance for Inborn genetic diseases. Last evaluated: 2024-11-27. Review status: criteria provided, single submitter. Criteria: Ambry Variant Classification Scheme 2023. Collection method: clinical testing. Allele origin: germline.

Illumina Laboratory Services, Illumina
Classification: Benign for Metaphyseal chondrodysplasia, Schmid type. Last evaluated: 2018-01-13. Review status: criteria provided, single submitter. Criteria: ICSL Variant Classification Criteria 13 December 2019. Collection method: clinical testing. Allele origin: germline.
Comment: This variant was observed in the ICSL laboratory as part of a predisposition screen in an ostensibly healthy population. It had not been previously curated by ICSL or reported in the Human Gene Mutation Database (HGMD: prior to June 1st, 2018), and was therefore a candidate for classification through an automated scoring system. Utilizing variant allele frequency, disease prevalence and penetrance estimates, and inheritance mode, an automated score was calculated to assess if this variant is too frequent to cause the disease. Based on the score and internal cut-off values, a variant classified as benign is not then subjected to further curation. The score for this variant resulted in a classification of benign for this disease.